The following is an entry in ClinVar:

ClinVar aggregate classification (germline): Benign (1 of 4 stars; one submission).

Conditions:
MIAT-related disorder. Also called: MIAT-related condition.

Submission:

PreventionGenetics, part of Exact Sciences
Classification: Benign for MIAT-related condition. Last evaluated: 2019-05-08. Review status: criteria provided, single submitter. Criteria: ACMG Guidelines, 2015. Collection method: clinical testing. Allele origin: germline.
Comment: This variant is classified as benign based on ACMG/AMP sequence variant interpretation guidelines (Richards et al. 2015 PMID: 25741868, with internal and published modifications).

NR_033320.3(MIAT):n.3297G>C

Gene: MIAT (myocardial infarction associated transcript; plus strand). Cytogenetic location: 22q12.1.
Variant type: single nucleotide variant.
Molecular consequence: non-coding transcript variant (on NR_033320.3).
Genome position: GRCh38 VCF-style: chr22-26669771-G-C. GRCh37 (hg19) VCF-style: chr22-27065734-G-C.
Identifiers: ClinVar variation 3056260 (VCV003056260.1), dbSNP rs2517481346, ClinGen allele CA514055090.
Genomic context (GRCh38, chr22:26,669,771, plus strand): 5'-ATGGGGAGGAGGAGCAGAGAGGTATGGGAAGCAGACACGGAGAGTGGCAGGTACCATGCT[G>C]GGGTGGCTCAGGAGTGCTTCGGAGGACATATGGAACTGGCAGGGCTCAGTGCAGGGAGGC-3'